The following is an entry in ClinVar:

ClinVar aggregate classification (germline): Likely benign (1 of 4 stars; one submission).

Submission:

CeGaT Center for Human Genetics Tuebingen
Classification: Likely benign. Last evaluated: 2025-08-01. Review status: criteria provided, single submitter. Criteria: CeGaT Center For Human Genetics Tuebingen Variant Classification Criteria Version 2. Collection method: clinical testing. Allele origin: germline. Affected: yes. Observed: 1 variant allele.
Comment: WT1: PM2:Supporting, BP4, BP7

NM_024426.6(WT1):c.300T>G (p.Pro100=)

Genes: WT1 (WT1 transcription factor; minus strand), LOC107982234 (WT1/WT1-AS bi-directional promoter region; plus strand). Cytogenetic location: 11p13.
Variant type: single nucleotide variant.
Coding change: c.300T>G on transcript NM_024426.6 (MANE Select); coding-DNA position 300, T replaced by G.
Protein change: p.Pro100=; no amino-acid change (proline 100 retained).
Molecular consequence: synonymous variant. On other transcripts: non-coding transcript variant (2).
Genome position (GRCh38, 1-based): chr11:32,435,061, A>C on the plus strand (T>G on the coding strand, the complement: WT1 is on the minus strand). VCF-style: chr11-32435061-A-C. GRCh37 (hg19) VCF-style: chr11-32456607-A-C.
Other names: c.300T>G, p.Pro100= (NM_000378.6, NM_001407044.1, NM_001407045.1 and 6 more transcripts); c.81T>G, p.Pro27= (NM_001429031.1, NM_001429032.1, NM_001429033.1 and 1 more transcripts).
Identifiers: ClinVar variation 4085250 (VCV004085250.8).